The following is an entry in ClinVar:

NM_001942.4(DSG1):c.131T>C (p.Ile44Thr)

Gene: DSG1 (desmoglein 1; plus strand). Cytogenetic location: 18q12.1.
Variant type: single nucleotide variant.
Coding change: c.131T>C on transcript NM_001942.4 (MANE Select); coding-DNA position 131, T replaced by C.
Protein change: p.Ile44Thr; replaces isoleucine 44 with threonine.
Molecular consequence: missense variant.
Genome position (GRCh38, 1-based): chr18:31,326,920, T>C. VCF-style: chr18-31326920-T-C. GRCh37 (hg19) VCF-style: chr18-28906883-T-C.
Other names: short protein forms I44T.
Identifiers: ClinVar variation 3657692 (VCV003657692.2).

ClinVar aggregate classification (germline): Uncertain significance (1 of 4 stars; one submission).

gnomAD v4.1: 8 of 1,613,784 alleles (0.0005%); highest among the groups gnomAD compares: Non-Finnish European, 0.00068%; no homozygotes.

Submission:

Labcorp Genetics (formerly Invitae), Labcorp
Classification: Uncertain significance. Last evaluated: 2024-11-12. Review status: criteria provided, single submitter. Criteria: Invitae Variant Classification Sherloc (09022015). Collection method: clinical testing. Allele origin: germline.
Comment: This sequence change replaces isoleucine, which is neutral and non-polar, with threonine, which is neutral and polar, at codon 44 of the DSG1 protein (p.Ile44Thr). This variant is not present in population databases (gnomAD no frequency). This variant has not been reported in the literature in individuals affected with DSG1-related conditions. Invitae Evidence Modeling of protein sequence and biophysical properties (such as structural, functional, and spatial information, amino acid conservation, physicochemical variation, residue mobility, and thermodynamic stability) indicates that this missense variant is not expected to disrupt DSG1 protein function with a negative predictive value of 80%. In summary, the available evidence is currently insufficient to determine the role of this variant in disease. Therefore, it has been classified as a Variant of Uncertain Significance.